The following is an entry in ClinVar:

NM_021625.5(TRPV4):c.1075G>A (p.Asp359Asn)

Gene: TRPV4 (transient receptor potential cation channel subfamily V member 4; minus strand). Cytogenetic location: 12q24.11.
Variant type: single nucleotide variant.
Coding change: c.1075G>A on transcript NM_021625.5 (MANE Select); coding-DNA position 1075, G replaced by A.
Protein change: p.Asp359Asn; replaces aspartic acid 359 with asparagine.
Molecular consequence: missense variant.
Genome position (GRCh38, 1-based): chr12:109,798,691, C>T on the plus strand (G>A on the coding strand, the complement: TRPV4 is on the minus strand). VCF-style: chr12-109798691-C-T. GRCh37 (hg19) VCF-style: chr12-110236496-C-T.
Other names: c.934G>A, p.Asp312Asn (NM_001177428.2, NM_001177433.2); c.973G>A, p.Asp325Asn (NM_001177431.2); c.1075G>A, p.Asp359Asn (NM_147204.3); short protein forms D359N, D312N, D325N.
Identifiers: ClinVar variation 931322 (VCV000931322.13), dbSNP rs774779620, ClinGen allele CA6780356.
Genomic context (GRCh38, chr12:109,798,691, plus strand): 5'-TGGCAGCCATCATGAGGGGCGAGAGGCCGTCGTTGTTGAGCACGGCCTCCAGGTTGCTGT[C>T]GGGGAAGAGGCGGGCACACTTGAGCAGCAGCAGGTCGTACATCTTGGTAACAAACTTGGT-3'
Protein context (NP_067638.3, residues 349-369): LLLKCARLFP[Asp359Asn]SNLEAVLNND

ClinVar aggregate classification (germline): Uncertain significance. Review status: criteria provided, multiple submitters, no conflicts (2 of 4 stars). 2 submissions from 2 submitters: Uncertain significance (2). Last evaluated 2024-05-22.

Conditions:
Charcot-Marie-Tooth disease axonal type 2C (HMSN2C). Also called: Charcot-Marie-Tooth Disease Type 2, TRPV4-Related (CMT2C); CHARCOT-MARIE-TOOTH DISEASE, AXONAL, AUTOSOMAL DOMINANT, TYPE 2C; Charcot-Marie-Tooth Neuropathy Type 2C. Identifiers: Orphanet 99937, MedGen C1853710, MONDO:0011633, OMIM 606071.

Allele frequency attached by ClinVar (database versions not stated): gnomAD 0.00001 and 0.00003; ExAC 0.00002; gnomAD exomes 0.00002.
gnomAD v4.1: 15 of 1,613,862 alleles (0.00093%); highest among the groups gnomAD compares: Non-Finnish European, 0.0012%; no homozygotes.

Submissions (2):

Labcorp Genetics (formerly Invitae), Labcorp
Classification: Uncertain significance for Charcot-Marie-Tooth disease axonal type 2C. Last evaluated: 2024-05-22. Review status: criteria provided, single submitter. Criteria: Invitae Variant Classification Sherloc (09022015). Collection method: clinical testing. Allele origin: germline.
Comment: This sequence change replaces aspartic acid, which is acidic and polar, with asparagine, which is neutral and polar, at codon 359 of the TRPV4 protein (p.Asp359Asn). This variant is present in population databases (rs774779620, gnomAD 0.004%). This variant has not been reported in the literature in individuals affected with TRPV4-related conditions. ClinVar contains an entry for this variant (Variation ID: 931322). Advanced modeling of protein sequence and biophysical properties (such as structural, functional, and spatial information, amino acid conservation, physicochemical variation, residue mobility, and thermodynamic stability) has been performed at Invitae for this missense variant, however the output from this modeling did not meet the statistical confidence thresholds required to predict the impact of this variant on TRPV4 protein function. In summary, the available evidence is currently insufficient to determine the role of this variant in disease. Therefore, it has been classified as a Variant of Uncertain Significance.

Centre for Mendelian Genomics, University Medical Centre Ljubljana
Classification: Uncertain significance for Charcot-Marie-Tooth disease axonal type 2C. Last evaluated: 2018-11-28. Review status: criteria provided, single submitter. Criteria: ACMG Guidelines, 2015. Collection method: clinical testing. Allele origin: unknown. Affected: yes.
Comment: This variant was classified as: Uncertain significance. The available evidence on this variant's pathogenicity is insufficient or conflicting. The following ACMG criteria were applied in classifying this variant: PP2.